The following is an entry in ClinVar:

NM_003107.3(SOX4):c.298C>T (p.Leu100Phe)

Gene: SOX4 (SRY-box transcription factor 4; plus strand). Cytogenetic location: 6p22.3.
Variant type: single nucleotide variant.
Coding change: c.298C>T on transcript NM_003107.3 (MANE Select); coding-DNA position 298, C replaced by T.
Protein change: p.Leu100Phe; replaces leucine 100 with phenylalanine.
Molecular consequence: missense variant.
Genome position (GRCh38, 1-based): chr6:21,594,832, C>T. VCF-style: chr6-21594832-C-T. GRCh37 (hg19) VCF-style: chr6-21595063-C-T.
Other names: short protein forms L100F.
Identifiers: ClinVar variation 3960010 (VCV003960010.2).

ClinVar aggregate classification (germline): Uncertain significance. Review status: criteria provided, multiple submitters, no conflicts (2 of 4 stars). 2 submissions from 2 submitters: Uncertain significance (2). Last evaluated 2025-05-23.

Conditions:
Inborn genetic diseases. Identifiers: MedGen C0950123, MeSH D030342.

gnomAD v4.1: 2 of 1,610,874 alleles (0.00012%); highest among the groups gnomAD compares: African/African-American, 0.0013%; no homozygotes.

Submissions (2):

GeneDx
Classification: Uncertain significance. Last evaluated: 2025-05-23. Review status: criteria provided, single submitter. Criteria: GeneDx Variant Classification Process June 2021. Collection method: clinical testing. Allele origin: germline. Affected: yes.
Comment: Not observed at significant frequency in large population cohorts (gnomAD); In silico analysis supports that this missense variant has a deleterious effect on protein structure/function; Has not been previously published as pathogenic or benign to our knowledge

Ambry Genetics
Classification: Uncertain significance for Inborn genetic diseases. Last evaluated: 2025-04-13. Review status: criteria provided, single submitter. Criteria: Ambry Variant Classification Scheme 2023. Collection method: clinical testing. Allele origin: germline.